The following is an entry in ClinVar:

ClinVar aggregate classification (germline): Uncertain significance. Review status: criteria provided, multiple submitters, no conflicts (2 of 4 stars). 2 submissions from 2 submitters: Uncertain significance (2). Last evaluated 2024-05-06.

Conditions:
Inborn genetic diseases. Identifiers: MedGen C0950123, MeSH D030342.
Nemaline myopathy 6 (NEM6). Also called: Nemaline myopathy 6, autosomal dominant. Identifiers: Orphanet 171439, MedGen C1836472, MONDO:0012237, OMIM 609273.

Allele frequency attached by ClinVar (database versions not stated): gnomAD exomes 0.00001; ExAC 0.00005.

Submissions (2):

Ambry Genetics
Classification: Uncertain significance for Inborn genetic diseases. Last evaluated: 2024-05-06. Review status: criteria provided, single submitter. Criteria: Ambry Variant Classification Scheme 2023. Collection method: clinical testing. Allele origin: germline.

Labcorp Genetics (formerly Invitae), Labcorp
Classification: Uncertain significance for Nemaline myopathy 6. Last evaluated: 2023-04-26. Review status: criteria provided, single submitter. Criteria: Invitae Variant Classification Sherloc (09022015). Collection method: clinical testing. Allele origin: germline.
Comment: This sequence change replaces arginine, which is basic and polar, with proline, which is neutral and non-polar, at codon 44 of the KBTBD13 protein (p.Arg44Pro). This variant is present in population databases (rs765124692, gnomAD 0.003%). This variant has not been reported in the literature in individuals affected with KBTBD13-related conditions. ClinVar contains an entry for this variant (Variation ID: 1394516). Advanced modeling of protein sequence and biophysical properties (such as structural, functional, and spatial information, amino acid conservation, physicochemical variation, residue mobility, and thermodynamic stability) performed at Invitae indicates that this missense variant is not expected to disrupt KBTBD13 protein function. In summary, the available evidence is currently insufficient to determine the role of this variant in disease. Therefore, it has been classified as a Variant of Uncertain Significance.

NM_001101362.3(KBTBD13):c.131G>C (p.Arg44Pro)

Gene: KBTBD13 (kelch repeat and BTB domain containing 13; plus strand). Cytogenetic location: 15q22.31.
Variant type: single nucleotide variant.
Coding change: c.131G>C on transcript NM_001101362.3 (MANE Select); coding-DNA position 131, G replaced by C.
Protein change: p.Arg44Pro; replaces arginine 44 with proline.
Molecular consequence: missense variant.
Genome position (GRCh38, 1-based): chr15:65,076,946, G>C. VCF-style: chr15-65076946-G-C. GRCh37 (hg19) VCF-style: chr15-65369284-G-C.
Other names: c.131G>C (NM_001101362.2); short protein forms R44P.
Identifiers: ClinVar variation 1394516 (VCV001394516.9), dbSNP rs765124692, ClinGen allele CA7613878.